The following is an entry in ClinVar:

NM_019032.6(ADAMTSL4):c.622G>A (p.Gly208Ser)

Genes: ADAMTSL4 (ADAMTS like 4; plus strand), ADAMTSL4-AS2 (ADAMTSL4 antisense RNA 2; minus strand). Cytogenetic location: 1q21.2.
Variant type: single nucleotide variant.
Coding change: c.622G>A on transcript NM_019032.6 (MANE Select); coding-DNA position 622, G replaced by A.
Protein change: p.Gly208Ser; replaces glycine 208 with serine.
Molecular consequence: missense variant.
Genome position (GRCh38, 1-based): chr1:150,553,613, G>A. VCF-style: chr1-150553613-G-A. GRCh37 (hg19) VCF-style: chr1-150526089-G-A.
Other names: c.622G>A, p.Gly208Ser (NM_001288607.2, NM_001288608.2, NM_001378596.1 and 1 more transcripts); short protein forms G208S.
Identifiers: ClinVar variation 728991 (VCV000728991.12), dbSNP rs115104834, ClinGen allele CA1078004.
Genomic context (GRCh38, chr1:150,553,613, plus strand): 5'-TCTAGAGGGGAAGAGGCTATTCCGTCCCCTACTCCAAGAGCAGAGCCATTCTCCGCAAAC[G>A]GCAGCCCCCAAACTGAGCTCCCTCCCACAGAACTGTCTGTCCACACCCCATCCCCCCAAG-3'
Protein context (NP_061905.2, residues 198-218): TPRAEPFSAN[Gly208Ser]SPQTELPPTE

ClinVar aggregate classification (germline): Benign. Review status: criteria provided, single submitter (1 of 4 stars). 2 submissions from 2 submitters: Benign (1). 1 of the submissions does not count toward it. Last evaluated 2026-01-28.

Conditions:
ADAMTSL4-related disorder. Also called: ADAMTSL4-related condition; ADAMTSL4-Related Disorders.

Allele frequency attached by ClinVar (database versions not stated): gnomAD exomes 0.00082; ExAC 0.00102; gnomAD 0.00365 and 0.00389; ESP Exome Variant Server 0.00400; TOPMed 0.00411; 1000 Genomes Project 0.00459; 1000 Genomes Project 30x 0.00562.

Submissions (2):

Labcorp Genetics (formerly Invitae), Labcorp
Classification: Benign. Last evaluated: 2026-01-28. Review status: criteria provided, single submitter. Criteria: Invitae Variant Classification Sherloc (09022015). Collection method: clinical testing. Allele origin: germline.

PreventionGenetics, part of Exact Sciences
Classification: Benign for ADAMTSL4-related condition. Last evaluated: 2023-12-22. Review status: no assertion criteria provided. Collection method: clinical testing. Allele origin: germline. Not counted in ClinVar's aggregate classification.
Comment: This variant is classified as benign based on ACMG/AMP sequence variant interpretation guidelines (Richards et al. 2015 PMID: 25741868, with internal and published modifications).